The following is an entry in ClinVar:

ClinVar aggregate classification (germline): Benign/Likely benign. Review status: criteria provided, multiple submitters, no conflicts (2 of 4 stars). 7 submissions from 7 submitters: Benign (4); Likely benign (3). Last evaluated 2026-01-08.

Conditions:
Inborn genetic diseases. Identifiers: MedGen C0950123, MeSH D030342.
Intellectual developmental disorder, autosomal dominant 6, with or without seizures. Also called: GRIN2B-related developmental delay, intellectual disability and autism spectrum disorder; Intellectual disability, autosomal dominant 6. Identifiers: Orphanet 589547, MedGen C3151411, MONDO:0013509, OMIM 613970.
Developmental and epileptic encephalopathy, 27 (DEE27). Also called: GRIN2B-Related Neurodevelopmental Disorder; Epileptic encephalopathy, early infantile, 27. Identifiers: Orphanet 3451, MedGen C4015316, MONDO:0014505, OMIM 616139.

Allele frequency attached by ClinVar (database versions not stated): gnomAD 0.00003 and 0.00009; gnomAD exomes 0.00034 and 0.00063; TOPMed 0.00006; 1000 Genomes Project 0.00020; 1000 Genomes Project 30x 0.00031; ExAC 0.00068.
gnomAD v4.1: 509 of 1,614,086 alleles (0.032%); highest among the groups gnomAD compares: South Asian, 0.48%; 4 homozygotes.

Submissions (7):

Labcorp Genetics (formerly Invitae), Labcorp
Classification: Benign for Developmental and epileptic encephalopathy, 27; Intellectual developmental disorder, autosomal dominant 6, with or without seizures. Last evaluated: 2026-01-08. Review status: criteria provided, single submitter. Criteria: Invitae Variant Classification Sherloc (09022015). Collection method: clinical testing. Allele origin: germline.

Blueprint Genetics
Classification: Likely benign. Last evaluated: 2024-11-07. Review status: criteria provided, single submitter. Criteria: ACMG Guidelines, 2015. Collection method: clinical testing. Allele origin: germline.

ARUP Laboratories, Molecular Genetics and Genomics, ARUP Laboratories
Classification: Benign. Last evaluated: 2024-02-15. Review status: criteria provided, single submitter. Criteria: ARUP Molecular Germline Variant Investigation Process 2024. Collection method: clinical testing. Allele origin: germline.

CeGaT Center for Human Genetics Tuebingen
Classification: Likely benign. Last evaluated: 2023-06-01. Review status: criteria provided, single submitter. Criteria: CeGaT Center For Human Genetics Tuebingen Variant Classification Criteria Version 2. Collection method: clinical testing. Allele origin: germline. Affected: yes. Observed: 1 variant allele.
Comment: GRIN2B: BP4, BP7

GeneDx
Classification: Benign. Last evaluated: 2018-09-25. Review status: criteria provided, single submitter. Criteria: GeneDx Variant Classification Process June 2021. Collection method: clinical testing. Allele origin: germline. Affected: yes.

Athena Diagnostics
Classification: Benign. Last evaluated: 2018-09-18. Review status: criteria provided, single submitter. Criteria: Athena Diagnostics Criteria. Collection method: clinical testing. Allele origin: germline.

Ambry Genetics
Classification: Likely benign for Inborn genetic diseases. Last evaluated: 2016-09-09. Review status: criteria provided, single submitter. Criteria: Ambry Variant Classification Scheme 2023. Collection method: clinical testing. Allele origin: germline.

NM_000834.5(GRIN2B):c.3837T>G (p.Thr1279=)

Gene: GRIN2B (glutamate ionotropic receptor NMDA type subunit 2B; minus strand). Cytogenetic location: 12p13.1.
Variant type: single nucleotide variant.
Coding change: c.3837T>G on transcript NM_000834.5 (MANE Select); coding-DNA position 3837, T replaced by G.
Protein change: p.Thr1279=; no amino-acid change (threonine 1279 retained).
Molecular consequence: synonymous variant.
Genome position (GRCh38, 1-based): chr12:13,563,401, A>C on the plus strand (T>G on the coding strand, the complement: GRIN2B is on the minus strand). VCF-style: chr12-13563401-A-C. GRCh37 (hg19) VCF-style: chr12-13716335-A-C.
Identifiers: ClinVar variation 307739 (VCV000307739.44), dbSNP rs1806200, ClinGen allele CA6460834.